The following is an entry in ClinVar:

ClinVar aggregate classification (germline): Uncertain significance (1 of 4 stars; one submission).

Submission:

GeneDx
Classification: Uncertain significance. Last evaluated: 2023-10-19. Review status: criteria provided, single submitter. Criteria: GeneDx Variant Classification Process June 2021. Collection method: clinical testing. Allele origin: germline. Affected: yes.
Comment: Not observed at significant frequency in large population cohorts (gnomAD); In silico analysis supports that this missense variant has a deleterious effect on protein structure/function; Has not been previously published as pathogenic or benign to our knowledge

NM_181552.4(CUX1):c.3854C>G (p.Thr1285Ser)

Gene: CUX1 (cut like homeobox 1; plus strand). Cytogenetic location: 7q22.1.
Variant type: single nucleotide variant.
Coding change: c.3854C>G on transcript NM_181552.4 (MANE Select); coding-DNA position 3854, C replaced by G.
Protein change: p.Thr1285Ser; replaces threonine 1285 with serine.
Molecular consequence: missense variant. On other transcripts: intron variant (5).
Genome position (GRCh38, 1-based): chr7:102,239,551, C>G. VCF-style: chr7-102239551-C-G. GRCh37 (hg19) VCF-style: chr7-101882831-C-G.
Other names: c.3887C>G, p.Thr1296Ser (NM_001202543.2); c.1256-33815C>G (NM_001913.5); c.1250-33815C>G (NM_181500.4); c.1118-33815C>G (NM_001202545.3); c.1208-33815C>G (NM_001202544.3); c.1139-33815C>G (NM_001202546.3); short protein forms T1285S, T1296S.
Identifiers: ClinVar variation 3363234 (VCV003363234.1).